The following is an entry in ClinVar:

ClinVar aggregate classification (germline): Uncertain significance (1 of 4 stars; one submission).

gnomAD v4.1: 2 of 1,613,966 alleles (0.00012%); highest among the groups gnomAD compares: South Asian, 0.0011%; no homozygotes.

Submission:

Labcorp Genetics (formerly Invitae), Labcorp
Classification: Uncertain significance. Last evaluated: 2025-07-06. Review status: criteria provided, single submitter. Criteria: Invitae Variant Classification Sherloc (09022015). Collection method: clinical testing. Allele origin: germline.
Comment: This sequence change replaces cysteine, which is neutral and slightly polar, with tyrosine, which is neutral and polar, at codon 768 of the BACH2 protein (p.Cys768Tyr). This variant is not present in population databases (gnomAD no frequency). This variant has not been reported in the literature in individuals affected with BACH2-related conditions. Invitae Evidence Modeling of protein sequence and biophysical properties (such as structural, functional, and spatial information, amino acid conservation, physicochemical variation, residue mobility, and thermodynamic stability) indicates that this missense variant is not expected to disrupt BACH2 protein function with a negative predictive value of 80%. In summary, the available evidence is currently insufficient to determine the role of this variant in disease. Therefore, it has been classified as a Variant of Uncertain Significance.

NM_021813.4(BACH2):c.2303G>A (p.Cys768Tyr)

Gene: BACH2 (BACH transcriptional regulator 2; minus strand). Cytogenetic location: 6q15.
Variant type: single nucleotide variant.
Coding change: c.2303G>A on transcript NM_021813.4 (MANE Select); coding-DNA position 2303, G replaced by A.
Protein change: p.Cys768Tyr; replaces cysteine 768 with tyrosine.
Molecular consequence: missense variant.
Genome position (GRCh38, 1-based): chr6:89,932,631, C>T on the plus strand (G>A on the coding strand, the complement: BACH2 is on the minus strand). VCF-style: chr6-89932631-C-T. GRCh37 (hg19) VCF-style: chr6-90642350-C-T.
Other names: c.2303G>A, p.Cys768Tyr (NM_001170794.2); short protein forms C768Y.
Identifiers: ClinVar variation 4778016 (VCV004778016.1).
Genomic context (GRCh38, chr6:89,932,631, plus strand): 5'-TCGGAGGTGTTGCTGGGTGCCCAGGGGGGTCCGGGGGGAGCCGCGCCTGGCTCCAAGCAG[C>T]AGGGCACGTTTTCCCCCACTGCGCATTGGGAGGCCGCAATGTTCTGCTCAGCACCCAAGG-3'
Protein context (NP_068585.1, residues 758-778): SQCAVGENVP[Cys768Tyr]CLEPGAAPPG